The following is an entry in ClinVar:

ClinVar aggregate classification (germline): Uncertain significance (1 of 4 stars; one submission).

gnomAD v4.1: 2 of 1,614,154 alleles (0.00012%); highest among the groups gnomAD compares: Non-Finnish European, 0.000085%; no homozygotes.

Submission:

Ambry Genetics
Classification: Uncertain significance. Last evaluated: 2022-12-17. Review status: criteria provided, single submitter. Criteria: Ambry Variant Classification Scheme 2023. Collection method: clinical testing. Allele origin: germline.
Comment: The p.K55N variant (also known as c.165G>T), located in coding exon 1 of the MNDA gene, results from a G to T substitution at nucleotide position 165. The lysine at codon 55 is replaced by asparagine, an amino acid with similar properties. This amino acid position is conserved. In addition, this alteration is predicted to be tolerated by in silico analysis. Since supporting evidence is limited at this time, the clinical significance of this alteration remains unclear.

NM_002432.3(MNDA):c.165G>T (p.Lys55Asn)

Gene: MNDA (myeloid cell nuclear differentiation antigen; plus strand). Cytogenetic location: 1q23.1.
Variant type: single nucleotide variant.
Coding change: c.165G>T on transcript NM_002432.3 (MANE Select); coding-DNA position 165, G replaced by T.
Protein change: p.Lys55Asn; replaces lysine 55 with asparagine.
Molecular consequence: missense variant.
Genome position (GRCh38, 1-based): chr1:158,842,318, G>T. VCF-style: chr1-158842318-G-T. GRCh37 (hg19) VCF-style: chr1-158812108-G-T.
Other names: short protein forms K55N.
Identifiers: ClinVar variation 2448166 (VCV002448166.2), dbSNP rs1444498594, ClinGen allele CA343036947.